The following is an entry in ClinVar:

NM_006514.4(SCN10A):c.1595G>A (p.Ser532Asn)

Gene: SCN10A (sodium voltage-gated channel alpha subunit 10; minus strand). Cytogenetic location: 3p22.2.
Variant type: single nucleotide variant.
Coding change: c.1595G>A on transcript NM_006514.4 (MANE Select); coding-DNA position 1595, G replaced by A.
Protein change: p.Ser532Asn; replaces serine 532 with asparagine.
Molecular consequence: missense variant. On other transcripts: intron variant (1).
Genome position (GRCh38, 1-based): chr3:38,752,379, C>T on the plus strand (G>A on the coding strand, the complement: SCN10A is on the minus strand). VCF-style: chr3-38752379-C-T. GRCh37 (hg19) VCF-style: chr3-38793870-C-T.
Other names: c.1595G>A, p.Ser532Asn (NM_001293306.2); c.1462-2195G>A (NM_001293307.2); short protein forms S532N.
Identifiers: ClinVar variation 1776000 (VCV001776000.2), dbSNP rs553274082, ClinGen allele CA2320803.
Genomic context (GRCh38, chr3:38,752,379, plus strand): 5'-CTTCTAGGGAGGGGGCCTTGCTGGCCAGCACCCCCACCCAGCAGCAGAGAGCCCCGATGG[C>T]TTTCGTGGTCTCCAGGAAAGACTCCATCATCTGTGACTCCCTCAGGGAGTGAGATATCTC-3'
Protein context (NP_006505.4, residues 522-542): DDGVFPGDHE[Ser532Asn]HRGSLLLGGG

ClinVar aggregate classification (germline): Uncertain significance (1 of 4 stars; one submission).

Conditions:
Cardiovascular phenotype. Identifiers: MedGen CN230736.

Allele frequency attached by ClinVar (database versions not stated): gnomAD exomes below 0.00001; ExAC 0.00001; gnomAD 0.00001; 1000 Genomes Project 0.00020; 1000 Genomes Project 30x 0.00031.
gnomAD v4.1: 2 of 1,614,050 alleles (0.00012%); highest among the groups gnomAD compares: African/African-American, 0.0027%; no homozygotes.

Submission:

Ambry Genetics
Classification: Uncertain significance for Cardiovascular phenotype. Last evaluated: 2021-04-09. Review status: criteria provided, single submitter. Criteria: Ambry Variant Classification Scheme 2023. Collection method: clinical testing. Allele origin: germline.
Comment: The p.S532N variant (also known as c.1595G>A), located in coding exon 11 of the SCN10A gene, results from a G to A substitution at nucleotide position 1595. The serine at codon 532 is replaced by asparagine, an amino acid with highly similar properties. This amino acid position is well conserved in available vertebrate species; however, asparagine is the reference amino acid in other vertebrate species. In addition, this alteration is predicted to be tolerated by in silico analysis. Since supporting evidence is limited at this time, the clinical significance of this alteration remains unclear.